The following is an entry in ClinVar:

ClinVar aggregate classification (germline): Likely benign (1 of 4 stars; one submission).

Conditions:
Multiple endocrine neoplasia, type 2 (MEN2). Identifiers: Orphanet 653, MedGen C4048306, MONDO:0019003. Disease mechanism: gain of function.

Submission:

All of Us Research Program, National Institutes of Health
Classification: Likely benign for Multiple endocrine neoplasia, type 2. Last evaluated: 2023-11-02. Review status: criteria provided, single submitter. Criteria: ACMG Guidelines, 2015. Collection method: clinical testing. Allele origin: germline. Inheritance: Autosomal dominant inheritance. Observed: 1 variant allele, 1 heterozygote.
Comment: This study involves interpretation of variants in research participants for the purpose of population health screening. Participant phenotype was not available at the time of variant classification. Additional details can be found in publication PMID: 35346344, PMCID: PMC8962531

NM_020975.6(RET):c.807G>C (p.Ala269=)

Gene: RET (ret proto-oncogene; plus strand). Cytogenetic location: 10q11.21.
Variant type: single nucleotide variant.
Coding change: c.807G>C on transcript NM_020975.6 (MANE Select); coding-DNA position 807, G replaced by C.
Protein change: p.Ala269=; no amino-acid change (alanine 269 retained).
Molecular consequence: synonymous variant. On other transcripts: intron variant (22).
Genome position (GRCh38, 1-based): chr10:43,105,133, G>C. VCF-style: chr10-43105133-G-C. GRCh37 (hg19) VCF-style: chr10-43600581-G-C.
Other names: c.807G>C, p.Ala269= (NM_000323.2, NM_001406743.1, NM_001406744.1 and 8 more transcripts); c.45G>C, p.Ala15= (NM_001355216.2); c.678G>C, p.Ala226= (NM_001406761.1, NM_001406762.1, NM_001406764.1 and 2 more transcripts); c.519G>C, p.Ala173= (NM_001406766.1, NM_001406767.1, NM_001406770.1); c.625+2504G>C (NM_001406773.1, NM_001406771.1, NM_001406782.1 and 5 more transcripts); c.496+2504G>C (NM_001406786.1, NM_001406783.1); c.338-3898G>C (NM_001406778.1, NM_001406775.1, NM_001406776.1 and 1 more transcripts); c.337+4411G>C (NM_001406790.1, NM_001406788.1, NM_001406789.1 and 1 more transcripts); and 2 more.
Identifiers: ClinVar variation 3074393 (VCV003074393.1), dbSNP rs2132707887, ClinGen allele CA469022585.